The following is an entry in ClinVar:

ClinVar aggregate classification (germline): Conflicting classifications of pathogenicity. Review status: criteria provided, conflicting classifications (1 of 4 stars). 2 submissions from 2 submitters: Likely pathogenic (1); Uncertain significance (1). Last evaluated 2023-11-15.

Allele frequency attached by ClinVar (database versions not stated): gnomAD exomes 0.00001.
gnomAD v4.1: 9 of 1,614,226 alleles (0.00056%); highest among the groups gnomAD compares: Non-Finnish European, 0.00076%; no homozygotes.

Submissions (2):

GeneDx
Classification: Likely pathogenic. Last evaluated: 2023-11-15. Review status: criteria provided, single submitter. Criteria: GeneDx Variant Classification Process June 2021. Collection method: clinical testing. Allele origin: germline. Affected: yes.
Comment: Nonsense variant predicted to result in protein truncation or nonsense mediated decay in a gene for which loss-of-function is a known mechanism of disease; Not observed at significant frequency in large population cohorts (gnomAD); Has not been previously published as pathogenic or benign to our knowledge

Blueprint Genetics
Classification: Uncertain significance. Last evaluated: 2018-11-10. Review status: criteria provided, single submitter. Criteria: ACMG Guidelines, 2015. Collection method: clinical testing. Allele origin: germline.

NM_021008.4(DEAF1):c.1204C>T (p.Gln402Ter)

Gene: DEAF1 (DEAF1 transcription factor; minus strand). Cytogenetic location: 11p15.5.
Variant type: single nucleotide variant.
Coding change: c.1204C>T on transcript NM_021008.4 (MANE Select); coding-DNA position 1204, C replaced by T.
Protein change: p.Gln402Ter; replaces glutamine 402 with a stop codon.
Molecular consequence: nonsense.
Genome position (GRCh38, 1-based): chr11:678,745, G>A on the plus strand (C>T on the coding strand, the complement: DEAF1 is on the minus strand). VCF-style: chr11-678745-G-A. GRCh37 (hg19) VCF-style: chr11-678745-G-A.
Other names: c.937C>T, p.Gln313Ter (NM_001293634.2); c.478C>T, p.Gln160Ter (NM_001367390.1); short protein forms Q160*, Q313*, Q402*.
Identifiers: ClinVar variation 1218340 (VCV001218340.7), dbSNP rs2133377407, ClinGen allele CA378925380.